The following is an entry in ClinVar:

NM_020919.4(ALS2):c.1427_1428del (p.Glu476fs)

Gene: ALS2 (alsin Rho guanine nucleotide exchange factor ALS2; minus strand). Cytogenetic location: 2q33.1.
Variant type: Microsatellite.
Coding change: c.1427_1428del on transcript NM_020919.4 (MANE Select); coding-DNA positions 1427 to 1428, 2 bases deleted (AG; older notation c.1427_1428delAG).
Protein change: p.Glu476fs; shifts the reading frame from glutamic acid 476.
Molecular consequence: frameshift variant.
Genome position (GRCh38, 1-based): chr2:201,757,445-201,757,446, CT deleted on the plus strand (AG on the coding strand, the reverse complement: ALS2 is on the minus strand); deleting any 2 consecutive bases within chr2:201,757,445-201,757,448 gives the same sequence; the c. name uses the placement nearest the transcript's 3' end. VCF-style (leftmost placement, unchanged base first): chr2-201757444-CCT-C. GRCh37 (hg19) VCF-style: chr2-202622167-CCT-C.
Other names: c.1425_1426delAG(1548delAG); c.1427_1428del (NM_020919.3); short protein forms E476fs.
Identifiers: ClinVar variation 4407 (VCV000004407.6), dbSNP rs386134176, ClinGen allele CA340240.

ClinVar aggregate classification (germline): Pathogenic. Review status: criteria provided, single submitter (1 of 4 stars). 3 submissions from 3 submitters: Pathogenic (1). 2 of the submissions do not count toward it. Last evaluated 2024-06-07.

Conditions:
Juvenile primary lateral sclerosis (PLSJ). Also called: Juvenile Primary Lateral Sclerosis (JPLS). Identifiers: Orphanet 247604, MedGen C1853396, MONDO:0011663, OMIM 606353.

Submissions (3):

GeneDx
Classification: Pathogenic. Last evaluated: 2024-06-07. Review status: criteria provided, single submitter. Criteria: GeneDx Variant Classification Process June 2021. Collection method: clinical testing. Allele origin: germline. Affected: yes.
Comment: Frameshift variant predicted to result in protein truncation or nonsense mediated decay in a gene for which loss of function is a known mechanism of disease; Not observed at significant frequency in large population cohorts (gnomAD); This variant is associated with the following publications: (PMID: 38297306, 8745388, 11586285, 11586297, 14668431, 11586298, 25302125)

GeneReviews
Classification: Pathogenic for ALS2-Related Disorders. Last evaluated: 2011-02-10. Review status: no assertion criteria provided. Collection method: curation. Allele origin: unknown. Not counted in ClinVar's aggregate classification.
ClinVar note: Converted during submission from pathologic to Pathogenic.

OMIM
Classification: Pathogenic for PRIMARY LATERAL SCLEROSIS, JUVENILE. Last evaluated: 2001-10-01. Review status: no assertion criteria provided. Collection method: literature only. Allele origin: germline. Not counted in ClinVar's aggregate classification.

Literature cited by the submitters: PubMed 8745388 (cited by OMIM); Hadano, S. Personal Communication. 2002. Isehara, Japan (cited by OMIM); PubMed 11586285 (cited by OMIM); PubMed 16321985 (cited by OMIM).